The following is an entry in ClinVar:

ClinVar aggregate classification (germline): Likely pathogenic. Review status: criteria provided, multiple submitters, no conflicts (2 of 4 stars). 2 submissions from 2 submitters: Likely pathogenic (2). Last evaluated 2024-12-24.

Conditions:
Metaphyseal chondrodysplasia, Schmid type (MCDS). Also called: SPONDYLOMETAPHYSEAL DYSPLASIA, JAPANESE TYPE. Identifiers: Orphanet 174, MedGen C0265289, MONDO:0007983, OMIM 156500.

Submissions (2):

Labcorp Genetics (formerly Invitae), Labcorp
Classification: Likely pathogenic. Last evaluated: 2024-12-24. Review status: criteria provided, single submitter. Criteria: Invitae Variant Classification Sherloc (09022015). Collection method: clinical testing. Allele origin: germline.
Comment: This sequence change creates a premature translational stop signal (p.Ile593Aspfs*24) in the COL10A1 gene. While this is not anticipated to result in nonsense mediated decay, it is expected to disrupt the last 88 amino acid(s) of the COL10A1 protein. This variant is not present in population databases (gnomAD no frequency). This variant has not been reported in the literature in individuals affected with COL10A1-related conditions. ClinVar contains an entry for this variant (Variation ID: 1333730). This variant is located in a region of the COL10A1 protein where a significant number of COL10A1 nonsense and frameshift mutations have been reported in association with autosomal dominant metaphyseal chondrodysplasia (PMID: 21447328, 33764685, 36400164). In summary, the currently available evidence indicates that the variant is pathogenic, but additional data are needed to prove that conclusively. Therefore, this variant has been classified as Likely Pathogenic.

CENTOGENE GmbH and LLC - Guiding Precision Medicine
Classification: Likely pathogenic for Metaphyseal chondrodysplasia, Schmid type. Last evaluated: 2019-05-15. Review status: criteria provided, single submitter. Criteria: ACMG Guidelines, 2015. Collection method: clinical testing. Allele origin: paternal. Affected: yes.

Literature cited by the submitters: PubMed 21447328 (cited by Labcorp Genetics (formerly Invitae), Labcorp); PubMed 33764685 (cited by Labcorp Genetics (formerly Invitae), Labcorp); PubMed 36400164 (cited by Labcorp Genetics (formerly Invitae), Labcorp).

NM_000493.4(COL10A1):c.1775dup (p.Ile593fs)

Genes: COL10A1 (collagen type X alpha 1 chain; minus strand), NT5DC1 (5'-nucleotidase domain containing 1; plus strand). Cytogenetic location: 6q22.1.
Variant type: Duplication.
Coding change: c.1775dup on transcript NM_000493.4 (MANE Select); coding-DNA position 1775, one base duplicated (A; older notation c.1775dupA).
Protein change: p.Ile593fs; shifts the reading frame from isoleucine 593.
Molecular consequence: frameshift variant. On other transcripts: intron variant (1).
Genome position (GRCh38, 1-based): chr6:116,120,341, T duplicated on the plus strand (A on the coding strand, the reverse complement: COL10A1 is on the minus strand). VCF-style (leftmost placement, unchanged base first): chr6-116120340-C-CT. GRCh37 (hg19) VCF-style: chr6-116441503-C-CT.
Other names: c.1775dup, p.Ile593fs (NM_001424106.1, NM_001424107.1); c.529+2396dup (NM_152729.3); short protein forms I593fs.
Identifiers: ClinVar variation 1333730 (VCV001333730.3), dbSNP rs2114278703, ClinGen allele CA2573052568.